The following is an entry in ClinVar:

ClinVar aggregate classification (germline): Likely benign (0 of 4 stars; one submission).

Conditions:
FGFR2-related disorder. Identifiers: MedGen CN380096.

Allele frequency attached by ClinVar (database versions not stated): gnomAD 0.00004; TOPMed 0.00004; ExAC 0.00005; 1000 Genomes Project 0.00020; 1000 Genomes Project 30x 0.00031; gnomAD exomes 0.00002.
gnomAD v4.1: 34 of 1,545,224 alleles (0.0022%); highest among the groups gnomAD compares: East Asian, 0.064%; no homozygotes.

Submission:

PreventionGenetics, part of Exact Sciences
Classification: Likely benign for FGFR2-related condition. Last evaluated: 2019-04-01. Review status: no assertion criteria provided. Collection method: clinical testing. Allele origin: germline.
Comment: This variant is classified as likely benign based on ACMG/AMP sequence variant interpretation guidelines (Richards et al. 2015 PMID: 25741868, with internal and published modifications).

NM_000141.5(FGFR2):c.*282A>G

Gene: FGFR2 (fibroblast growth factor receptor 2; minus strand). Cytogenetic location: 10q26.13.
Variant type: single nucleotide variant.
Coding change: c.*282A>G on transcript NM_000141.5 (MANE Select); 282 bases downstream of the stop codon, A replaced by G.
Molecular consequence: 3 prime UTR variant. On other transcripts: non-coding transcript variant (1).
Genome position (GRCh38, 1-based): chr10:121,479,575, T>C on the plus strand (A>G on the coding strand, the complement: FGFR2 is on the minus strand). VCF-style: chr10-121479575-T-C. GRCh37 (hg19) VCF-style: chr10-123239089-T-C.
Other names: c.*282A>G (NM_001144914.1, NM_001144916.2, NM_001144917.2 and 5 more transcripts); c.*6A>G (NM_001144915.2).
Identifiers: ClinVar variation 3058285 (VCV003058285.2), dbSNP rs577983786, ClinGen allele CA5720415.